The following is an entry in ClinVar:

NM_015278.5(SASH1):c.2459G>A (p.Arg820Gln)

Gene: SASH1 (SAM and SH3 domain containing 1; plus strand). Cytogenetic location: 6q25.1.
Variant type: single nucleotide variant.
Coding change: c.2459G>A on transcript NM_015278.5 (MANE Select); coding-DNA position 2459, G replaced by A.
Protein change: p.Arg820Gln; replaces arginine 820 with glutamine.
Molecular consequence: missense variant.
Genome position (GRCh38, 1-based): chr6:148,543,929, G>A. VCF-style: chr6-148543929-G-A. GRCh37 (hg19) VCF-style: chr6-148865065-G-A.
Other names: NC_000006.11:g.148865065G>A; c.2324G>A, p.Arg775Gln (NM_001346505.2); c.2087G>A, p.Arg696Gln (NM_001346506.2); c.1742G>A, p.Arg581Gln (NM_001346507.2); c.2231G>A, p.Arg744Gln (NM_001346508.2); c.2108G>A, p.Arg703Gln (NM_001346509.2); short protein forms R703Q, R744Q, R820Q, R696Q, R775Q, R581Q.
Identifiers: ClinVar variation 789886 (VCV000789886.31), dbSNP rs144633784, ClinGen allele CA4040601.

ClinVar aggregate classification (germline): Benign/Likely benign. Review status: criteria provided, multiple submitters, no conflicts (2 of 4 stars). 4 submissions from 4 submitters: Benign (1); Likely benign (3). Last evaluated 2023-10-01.

Conditions:
Cancer, alopecia, pigment dyscrasia, onychodystrophy, and keratoderma (CAPOK). Also called: CAPOK SYNDROME. Identifiers: MedGen C5193062, OMIM 618373.
Dyschromatosis universalis hereditaria 1 (DUH1). Identifiers: MedGen C2675711, MONDO:0024524, OMIM 127500.

Allele frequency attached by ClinVar (database versions not stated): TOPMed 0.00104; gnomAD 0.00108 and 0.00133; ESP Exome Variant Server 0.00131; ExAC 0.00161; gnomAD exomes 0.00161 and 0.00166; 1000 Genomes Project 30x 0.00172; 1000 Genomes Project 0.00220.
gnomAD v4.1: 2,572 of 1,614,164 alleles (0.16%); highest among the groups gnomAD compares: South Asian, 0.63%; 11 homozygotes.

Submissions (5):

CeGaT Center for Human Genetics Tuebingen
Classification: Likely benign. Last evaluated: 2023-10-01. Review status: criteria provided, single submitter. Criteria: CeGaT Center For Human Genetics Tuebingen Variant Classification Criteria Version 2. Collection method: clinical testing. Allele origin: germline. Affected: yes. Observed: 3 variant alleles.
Comment: SASH1: BP4, BS2

Mendelics
Classification: Benign. Last evaluated: 2022-05-04. Review status: criteria provided, single submitter. Criteria: Mendelics Assertion Criteria 2019. Collection method: clinical testing. Allele origin: germline.

Fulgent Genetics
Classification: Likely benign for Dyschromatosis universalis hereditaria 1; Cancer, alopecia, pigment dyscrasia, onychodystrophy, and keratoderma. Last evaluated: 2021-07-15. Review status: criteria provided, single submitter. Criteria: ACMG Guidelines, 2015. Collection method: clinical testing. Allele origin: unknown.

Labcorp Genetics (formerly Invitae), Labcorp
Classification: Likely benign. Last evaluated: 2019-12-31. Review status: criteria provided, single submitter. Criteria: Invitae Variant Classification Sherloc (09022015). Collection method: clinical testing. Allele origin: germline.

Dr. Peter K. Rogan Lab, Western University
No classification provided (evidence only). Condition: Lung cancer. Review status: no classification provided. Collection method: in vitro. Allele origin: not applicable. Functional consequence: retained intron. Not counted in ClinVar's aggregate classification.